The following is an entry in ClinVar:

NM_000722.4(CACNA2D1):c.2513G>T (p.Cys838Phe)

Gene: CACNA2D1 (calcium voltage-gated channel auxiliary subunit alpha2delta 1; minus strand). Cytogenetic location: 7q21.11.
Variant type: single nucleotide variant.
Coding change: c.2513G>T on transcript NM_000722.4 (MANE Select); coding-DNA position 2513, G replaced by T.
Protein change: p.Cys838Phe; replaces cysteine 838 with phenylalanine.
Molecular consequence: missense variant.
Genome position (GRCh38, 1-based): chr7:81,965,655, C>A on the plus strand (G>T on the coding strand, the complement: CACNA2D1 is on the minus strand). VCF-style: chr7-81965655-C-A. GRCh37 (hg19) VCF-style: chr7-81594971-C-A.
Other names: c.2549G>T, p.Cys850Phe (NM_001366867.1); short protein forms C838F, C850F.
Identifiers: ClinVar variation 646284 (VCV000646284.8), dbSNP rs1584210392, ClinGen allele CA367886684.

ClinVar aggregate classification (germline): Uncertain significance (1 of 4 stars; one submission).

Conditions:
Brugada syndrome. Also called: Sudden unexpected nocturnal death syndrome; Sudden Unexplained Death Syndrome; Sudden Unexplained Nocturnal Death Syndrome (SUNDS); Sudden unexplained nocturnal death syndrome. Identifiers: Orphanet 130, MedGen C1142166, MONDO:0015263.

Submission:

Labcorp Genetics (formerly Invitae), Labcorp
Classification: Uncertain significance for Brugada syndrome. Last evaluated: 2018-11-20. Review status: criteria provided, single submitter. Criteria: Invitae Variant Classification Sherloc (09022015). Collection method: clinical testing. Allele origin: germline.
Comment: In summary, the available evidence is currently insufficient to determine the role of this variant in disease. Therefore, it has been classified as a Variant of Uncertain Significance. Algorithms developed to predict the effect of missense changes on protein structure and function (SIFT, PolyPhen-2, Align-GVGD) all suggest that this variant is likely to be disruptive, but these predictions have not been confirmed by published functional studies and their clinical significance is uncertain. This variant has not been reported in the literature in individuals with CACNA2D1-related disease. This variant is not present in population databases (ExAC no frequency). This sequence change replaces cysteine with phenylalanine at codon 838 of the CACNA2D1 protein (p.Cys838Phe). The cysteine residue is highly conserved and there is a large physicochemical difference between cysteine and phenylalanine.